The following is an entry in ClinVar:

NM_018671.5(UNC45A):c.1903C>T (p.Arg635Trp)

Gene: UNC45A (unc-45 myosin chaperone A; plus strand). Cytogenetic location: 15q26.1.
Variant type: single nucleotide variant.
Coding change: c.1903C>T on transcript NM_018671.5 (MANE Select); coding-DNA position 1903, C replaced by T.
Protein change: p.Arg635Trp; replaces arginine 635 with tryptophan.
Molecular consequence: missense variant.
Genome position (GRCh38, 1-based): chr15:90,949,340, C>T. VCF-style: chr15-90949340-C-T. GRCh37 (hg19) VCF-style: chr15-91492570-C-T.
Other names: c.1858C>T, p.Arg620Trp (NM_001039675.2, NM_001323621.2); c.1903C>T, p.Arg635Trp (NM_001323619.1); c.1468C>T, p.Arg490Trp (NM_001323620.2); short protein forms R620W, R490W, R635W.
Identifiers: ClinVar variation 1513032 (VCV001513032.8), dbSNP rs748559511, ClinGen allele CA7743117.

ClinVar aggregate classification (germline): Uncertain significance (1 of 4 stars; one submission).

Allele frequency attached by ClinVar (database versions not stated): gnomAD exomes below 0.00001; ExAC 0.00001; TOPMed 0.00001.
gnomAD v4.1: 5 of 1,613,114 alleles (0.00031%); highest among the groups gnomAD compares: Admixed American, 0.0017%; no homozygotes.

Submission:

Labcorp Genetics (formerly Invitae), Labcorp
Classification: Uncertain significance. Last evaluated: 2022-09-07. Review status: criteria provided, single submitter. Criteria: Invitae Variant Classification Sherloc (09022015). Collection method: clinical testing. Allele origin: germline.
Comment: This variant has not been reported in the literature in individuals affected with UNC45A-related conditions. In summary, the available evidence is currently insufficient to determine the role of this variant in disease. Therefore, it has been classified as a Variant of Uncertain Significance. Algorithms developed to predict the effect of missense changes on protein structure and function are either unavailable or do not agree on the potential impact of this missense change (SIFT: "Not Available"; PolyPhen-2: "Probably Damaging"; Align-GVGD: "Not Available"). ClinVar contains an entry for this variant (Variation ID: 1513032). The frequency data for this variant in the population databases is considered unreliable, as metrics indicate poor data quality at this position in the gnomAD database. This sequence change replaces arginine, which is basic and polar, with tryptophan, which is neutral and slightly polar, at codon 635 of the UNC45A protein (p.Arg635Trp).